The following is an entry in ClinVar:

ClinVar aggregate classification (germline): Likely pathogenic (1 of 4 stars; one submission).

Submission:

Labcorp Genetics (formerly Invitae), Labcorp
Classification: Likely pathogenic. Last evaluated: 2025-08-23. Review status: criteria provided, single submitter. Criteria: Invitae Variant Classification Sherloc (09022015). Collection method: clinical testing. Allele origin: germline.
Comment: This sequence change replaces glycine, which is neutral and non-polar, with cysteine, which is neutral and slightly polar, at codon 1209 of the COL2A1 protein (p.Gly1209Cys). This variant is not present in population databases (gnomAD no frequency). This variant has not been reported in the literature in individuals affected with COL2A1-related conditions. Invitae Evidence Modeling of protein sequence and biophysical properties (such as structural, functional, and spatial information, amino acid conservation, physicochemical variation, residue mobility, and thermodynamic stability) indicates that this missense variant is expected to disrupt COL2A1 protein function with a positive predictive value of 95%. This variant disrupts the triple helix domain of COL2A1. Glycine residues within the Gly-Xaa-Yaa repeats of the triple helix domain are required for the structure and stability of fibrillar collagens (PMID: 7695699, 8218237, 19344236). In COL2A1, variants affecting these glycine residues are significantly enriched in individuals with disease (PMID: 9016532, 17078022) compared to the general population (ExAC). In summary, the currently available evidence indicates that the variant is pathogenic, but additional data are needed to prove that conclusively. Therefore, this variant has been classified as Likely Pathogenic.

Literature cited by the submitters: PubMed 7695699; PubMed 8218237; PubMed 19344236; PubMed 9016532; PubMed 17078022.

NM_001844.5(COL2A1):c.3625G>T (p.Gly1209Cys)

Gene: COL2A1 (collagen type II alpha 1 chain; minus strand). Cytogenetic location: 12q13.11.
Variant type: single nucleotide variant.
Coding change: c.3625G>T on transcript NM_001844.5 (MANE Select); coding-DNA position 3625, G replaced by T.
Protein change: p.Gly1209Cys; replaces glycine 1209 with cysteine.
Molecular consequence: missense variant.
Genome position (GRCh38, 1-based): chr12:47,975,578, C>A on the plus strand (G>T on the coding strand, the complement: COL2A1 is on the minus strand). VCF-style: chr12-47975578-C-A. GRCh37 (hg19) VCF-style: chr12-48369361-C-A.
Other names: c.3418G>T, p.Gly1140Cys (NM_033150.3); short protein forms G1209C, G1140C.
Identifiers: ClinVar variation 4747048 (VCV004747048.1).